The following is an entry in ClinVar:

ClinVar aggregate classification (germline): Uncertain significance (1 of 4 stars; one submission).

gnomAD v4.1: 1 of 1,611,414 alleles (0.000062%); highest among the groups gnomAD compares: Admixed American, 0.0017%; no homozygotes.

Submission:

Ambry Genetics
Classification: Uncertain significance. Last evaluated: 2024-03-16. Review status: criteria provided, single submitter. Criteria: Ambry Variant Classification Scheme 2023. Collection method: clinical testing. Allele origin: germline.
Comment: The p.A759P variant (also known as c.2275G>C), located in coding exon 14 of the POLQ gene, results from a G to C substitution at nucleotide position 2275. The alanine at codon 759 is replaced by proline, an amino acid with highly similar properties. This amino acid position is conserved. In addition, this alteration is predicted to be deleterious by in silico analysis. Based on the available evidence, the clinical significance of this alteration remains unclear.

NM_199420.4(POLQ):c.2275G>C (p.Ala759Pro)

Gene: POLQ (DNA polymerase theta; minus strand). Cytogenetic location: 3q13.33.
Variant type: single nucleotide variant.
Coding change: c.2275G>C on transcript NM_199420.4 (MANE Select); coding-DNA position 2275, G replaced by C.
Protein change: p.Ala759Pro; replaces alanine 759 with proline.
Molecular consequence: missense variant.
Genome position (GRCh38, 1-based): chr3:121,496,811, C>G on the plus strand (G>C on the coding strand, the complement: POLQ is on the minus strand). VCF-style: chr3-121496811-C-G. GRCh37 (hg19) VCF-style: chr3-121215658-C-G.
Other names: short protein forms A759P.
Identifiers: ClinVar variation 3308579 (VCV003308579.1).